The following is an entry in ClinVar:

NR_172633.1(TRIM16L):n.637C>T

Gene: TRIM16L (tripartite motif containing 16 like; plus strand). Cytogenetic location: 17p11.2.
Variant type: single nucleotide variant.
Molecular consequence: non-coding transcript variant (on NR_172633.1).
Genome position: GRCh38 VCF-style: chr17-18722296-C-T. GRCh37 (hg19) VCF-style: chr17-18625609-C-T.
Identifiers: ClinVar variation 4085844 (VCV004085844.8).

ClinVar aggregate classification (germline): Likely benign (1 of 4 stars; one submission).

Submission:

CeGaT Center for Human Genetics Tuebingen
Classification: Likely benign. Last evaluated: 2025-08-01. Review status: criteria provided, single submitter. Criteria: CeGaT Center For Human Genetics Tuebingen Variant Classification Criteria Version 2. Collection method: clinical testing. Allele origin: germline. Affected: yes. Observed: 1 variant allele.
Comment: TRIM16L: PM2:Supporting, BP4, BP7